The following is an entry in ClinVar:

ClinVar aggregate classification (germline): Benign/Likely benign. Review status: criteria provided, multiple submitters, no conflicts (2 of 4 stars). 4 submissions from 4 submitters: Benign (2); Likely benign (2). Last evaluated 2024-11-25.

Conditions:
Otitis media, susceptibility to (OMS). Also called: OTITIS MEDIA, CHRONIC/RECURRENT; COME/ROM. Identifiers: MedGen C1833692, MONDO:0008162, OMIM 166760.

Allele frequency attached by ClinVar (database versions not stated): ExAC 0.00108; ESP Exome Variant Server 0.00342; gnomAD 0.00373 and 0.00398; 1000 Genomes Project 0.00399; 1000 Genomes Project 30x 0.00406; TOPMed 0.00432.

Submissions (4):

Blueprint Genetics
Classification: Likely benign. Last evaluated: 2024-11-25. Review status: criteria provided, single submitter. Criteria: ACMG Guidelines, 2015. Collection method: clinical testing. Allele origin: germline.

Fulgent Genetics
Classification: Likely benign for Otitis media, susceptibility to. Last evaluated: 2021-09-30. Review status: criteria provided, single submitter. Criteria: ACMG Guidelines, 2015. Collection method: clinical testing. Allele origin: unknown.

Women's Health and Genetics/Laboratory Corporation of America, LabCorp
Classification: Benign. Last evaluated: 2019-11-25. Review status: criteria provided, single submitter. Criteria: LabCorp Variant Classification Summary - May 2015. Collection method: clinical testing. Allele origin: germline.
Comment: Variant summary: A2ML1 c.*1+12G>A is located in the untranslated mRNA region downstream of the termination codon. 5/5 computational tools predict no significant impact on normal splicing. However, these predictions have yet to be confirmed by functional studies. The variant allele was found at a frequency of 0.00083 in 249444 control chromosomes, predominantly at a frequency of 0.012 within the African or African-American subpopulation in the gnomAD database, including 3 homozygotes. The observed variant frequency within African or African-American control individuals in the gnomAD database is approximately 3000-folds over the estimated maximal expected allele frequency for a pathogenic variant in A2ML1 causing Noonan Syndrome phenotype (4e-06), strongly suggesting that the variant is a benign polymorphism found primarily in populations of African or African-American origin. A ClinVar submission (evaluation after 2014) cites the variant as benign. Based on the evidence outlined above, the variant was classified as benign.

GeneDx
Classification: Benign. Last evaluated: 2018-05-22. Review status: criteria provided, single submitter. Criteria: GeneDx Variant Classification (06012015). Collection method: clinical testing. Allele origin: germline. Affected: yes.
Comment: This variant is considered likely benign or benign based on one or more of the following criteria: it is a conservative change, it occurs at a poorly conserved position in the protein, it is predicted to be benign by multiple in silico algorithms, and/or has population frequency not consistent with disease.

NM_144670.6(A2ML1):c.*1+12G>A

Gene: A2ML1 (alpha-2-macroglobulin like 1; plus strand). Cytogenetic location: 12p13.31.
Variant type: single nucleotide variant.
Coding change: c.*1+12G>A on transcript NM_144670.6 (MANE Select); 12 bases into the intron after 1 bases downstream of the stop codon, G replaced by A.
Molecular consequence: intron variant.
Genome position (GRCh38, 1-based): chr12:8,875,024, G>A. VCF-style: chr12-8875024-G-A. GRCh37 (hg19) VCF-style: chr12-9027620-G-A.
Other names: c.*1+12G>A (NM_001282424.3).
Identifiers: ClinVar variation 561636 (VCV000561636.4), dbSNP rs115808815, ClinGen allele CA6436686.